The following is an entry in ClinVar:

ClinVar aggregate classification (germline): Uncertain significance. Review status: criteria provided, multiple submitters, no conflicts (2 of 4 stars). 2 submissions from 2 submitters: Uncertain significance (2). Last evaluated 2025-07-30.

Conditions:
EGFR-related lung cancer (EGFR). Identifiers: MedGen CN130014.
Hereditary cancer-predisposing syndrome. Also called: Neoplastic Syndromes, Hereditary; Hereditary Cancer Syndrome; Tumor predisposition; Hereditary neoplastic syndrome. Identifiers: Orphanet 140162, MedGen C0027672, MeSH D009386, MONDO:0015356.

Allele frequency attached by ClinVar (database versions not stated): gnomAD exomes below 0.00001.
gnomAD v4.1: 3 of 1,614,186 alleles (0.00019%); highest among the groups gnomAD compares: Non-Finnish European, 0.00025%; no homozygotes.

Submissions (2):

Labcorp Genetics (formerly Invitae), Labcorp
Classification: Uncertain significance for EGFR-related lung cancer. Last evaluated: 2025-07-30. Review status: criteria provided, single submitter. Criteria: Invitae Variant Classification Sherloc (09022015). Collection method: clinical testing. Allele origin: germline.
Comment: This sequence change replaces threonine, which is neutral and polar, with alanine, which is neutral and non-polar, at codon 993 of the EGFR protein (p.Thr993Ala). This variant is not present in population databases (gnomAD no frequency). This variant has not been reported in the literature in individuals affected with EGFR-related conditions. ClinVar contains an entry for this variant (Variation ID: 1934846). Invitae Evidence Modeling of protein sequence and biophysical properties (such as structural, functional, and spatial information, amino acid conservation, physicochemical variation, residue mobility, and thermodynamic stability) indicates that this missense variant is not expected to disrupt EGFR protein function with a negative predictive value of 80%. In summary, the available evidence is currently insufficient to determine the role of this variant in disease. Therefore, it has been classified as a Variant of Uncertain Significance.

Ambry Genetics
Classification: Uncertain significance for Hereditary cancer-predisposing syndrome. Last evaluated: 2025-02-12. Review status: criteria provided, single submitter. Criteria: Ambry Variant Classification Scheme 2023. Collection method: clinical testing. Allele origin: germline.
Comment: The p.T993A variant (also known as c.2977A>G), located in coding exon 25 of the EGFR gene, results from an A to G substitution at nucleotide position 2977. The threonine at codon 993 is replaced by alanine, an amino acid with similar properties. This amino acid position is well conserved in available vertebrate species. In addition, this alteration is predicted to be tolerated by in silico analysis. Based on the available evidence, the clinical significance of this variant remains unclear.

NM_005228.5(EGFR):c.2977A>G (p.Thr993Ala)

Gene: EGFR (epidermal growth factor receptor; plus strand). Cytogenetic location: 7p11.2.
Variant type: single nucleotide variant.
Coding change: c.2977A>G on transcript NM_005228.5 (MANE Select); coding-DNA position 2977, A replaced by G.
Protein change: p.Thr993Ala; replaces threonine 993 with alanine.
Molecular consequence: missense variant.
Genome position (GRCh38, 1-based): chr7:55,201,218, A>G. VCF-style: chr7-55201218-A-G. GRCh37 (hg19) VCF-style: chr7-55268911-A-G.
Other names: c.2842A>G, p.Thr948Ala (NM_001346897.2, NM_001346899.2); c.2977A>G, p.Thr993Ala (NM_001346898.2); c.2818A>G, p.Thr940Ala (NM_001346900.2); c.2176A>G, p.Thr726Ala (NM_001346941.2); short protein forms T993A, T948A, T940A, T726A.
Identifiers: ClinVar variation 1934846 (VCV001934846.6), dbSNP rs2128971521, ClinGen allele CA367582399.
Genomic context (GRCh38, chr7:55,201,218, plus strand): 5'-ATTCTAATAGCCTCAAAATCTCTGCACCAGGGGGATGAAAGAATGCATTTGCCAAGTCCT[A>G]CAGACTCCAACTTCTACCGTGCCCTGATGGATGAAGAAGACATGGACGACGTGGTGGATG-3'
Protein context (NP_005219.2, residues 983-1003): GDERMHLPSP[Thr993Ala]DSNFYRALMD